The following is an entry in ClinVar:

NC_000003.11:g.(10417329_10419935)_(10420969_10426951)del

Gene: ATP2B2 (ATPase plasma membrane Ca2+ transporting 2; minus strand). Cytogenetic location: 3p25.3.
Variant type: Deletion.
Identifiers: ClinVar variation 4853036 (VCV004853036.1).

ClinVar aggregate classification (germline): Uncertain significance (1 of 4 stars; one submission).

Submission:

Women's Health and Genetics/Laboratory Corporation of America, LabCorp
Classification: Uncertain significance. Last evaluated: 2026-05-15. Review status: criteria provided, single submitter. Criteria: LabCorp Variant Classification Summary - May 2015. Collection method: clinical testing. Allele origin: germline.
Comment: Variant summary: The variant involves the deletion of exons 9-10 in the ATP2B2 gene. A presumed nomenclature of c.(1000+1_1001-1)_(1201+1_1202-1)del has been designated for the purposes of this classification. The variant was absent in 21688 control chromosomes. The available data on variant occurrences in the general population are insufficient to allow any conclusion about variant significance. To our knowledge, no occurrence of c.(1000+1_1001-1)_(1201+1_1202-1)del in individuals affected with ATP2B2-related conditions and no experimental evidence demonstrating its impact on protein function have been reported. No submitters have cited clinical-significance assessments for this variant to ClinVar. Based on the evidence outlined above, the variant was classified as uncertain significance.